The following is an entry in ClinVar:

NM_004655.4(AXIN2):c.1443C>T (p.Leu481=)

Gene: AXIN2 (axin 2; minus strand). Cytogenetic location: 17q24.1.
Variant type: single nucleotide variant.
Coding change: c.1443C>T on transcript NM_004655.4 (MANE Select); coding-DNA position 1443, C replaced by T.
Protein change: p.Leu481=; no amino-acid change (leucine 481 retained).
Molecular consequence: synonymous variant.
Genome position (GRCh38, 1-based): chr17:65,537,593, G>A on the plus strand (C>T on the coding strand, the complement: AXIN2 is on the minus strand). VCF-style: chr17-65537593-G-A. GRCh37 (hg19) VCF-style: chr17-63533711-G-A.
Other names: c.1443C>T (LRG_296t1); c.1443C>T, p.Leu481= (NM_001363813.1).
Identifiers: ClinVar variation 324647 (VCV000324647.22), dbSNP rs886053272, ClinGen allele CA10650737.

ClinVar aggregate classification (germline): Conflicting classifications of pathogenicity. Review status: criteria provided, conflicting classifications (1 of 4 stars). 5 submissions from 5 submitters: Uncertain significance (1); Benign (1); Likely benign (3). Last evaluated 2025-06-10.

Conditions:
Oligodontia-cancer predisposition syndrome. Also called: TOOTH AGENESIS-COLORECTAL CANCER SYNDROME. Identifiers: Orphanet 300576, MedGen C1837750, MONDO:0012075, OMIM 608615. Disease mechanism: loss of function.
Hereditary cancer-predisposing syndrome. Also called: Tumor predisposition; Neoplastic Syndromes, Hereditary; Hereditary neoplastic syndrome; Hereditary Cancer Syndrome. Identifiers: Orphanet 140162, MedGen C0027672, MeSH D009386, MONDO:0015356.

Submissions (5):

Labcorp Genetics (formerly Invitae), Labcorp
Classification: Likely benign for Oligodontia-cancer predisposition syndrome. Last evaluated: 2025-06-10. Review status: criteria provided, single submitter. Criteria: Invitae Variant Classification Sherloc (09022015). Collection method: clinical testing. Allele origin: germline.

Hereditary Cancer Laboratory, Hospital Universitario 12 de Octubre
Classification: Likely benign for Hereditary cancer-predisposing syndrome. Last evaluated: 2025-05-06. Review status: criteria provided, single submitter. Criteria: ACMG Guidelines, 2015. Collection method: clinical testing. Allele origin: germline.
Comment: PM2+BP4+BP6+BP7

Myriad Genetics, Inc.
Classification: Benign for Oligodontia-cancer predisposition syndrome. Last evaluated: 2024-07-03. Review status: criteria provided, single submitter. Criteria: Myriad Autosomal Dominant, Autosomal Recessive and X-Linked Classification Criteria (2023). Collection method: clinical testing. Allele origin: unknown.
Comment: This variant is considered benign. This variant is a silent/synonymous amino acid change and it is not expected to impact splicing.

Ambry Genetics
Classification: Likely benign for Hereditary cancer-predisposing syndrome. Last evaluated: 2021-03-13. Review status: criteria provided, single submitter. Criteria: Ambry Variant Classification Scheme 2023. Collection method: clinical testing. Allele origin: germline.

Illumina Laboratory Services, Illumina
Classification: Uncertain significance for Oligodontia-cancer predisposition syndrome. Last evaluated: 2018-01-13. Review status: criteria provided, single submitter. Criteria: ICSL Variant Classification Criteria 13 December 2019. Collection method: clinical testing. Allele origin: germline.